The following continues an entry in ClinVar:

NM_000059.4(BRCA2):c.9097dup (p.Thr3033fs)

Gene: BRCA2. ClinVar aggregate classification (germline): Pathogenic. Pathogenic (1).

Submissions 41 to 52 of 52:

BRCAlab, Lund University
Classification: Pathogenic for Breast-ovarian cancer, familial, susceptibility to, 2. Last evaluated: 2020-03-02. Review status: no assertion criteria provided. Collection method: clinical testing. Allele origin: germline. Affected: yes. Not counted in ClinVar's aggregate classification.

CZECANCA consortium
Classification: Pathogenic for Breast and/or ovarian cancer. Last evaluated: 2019-06-11. Review status: no assertion criteria provided. Collection method: clinical testing. Allele origin: germline. Affected: yes. Observed: 1 variant allele. Not counted in ClinVar's aggregate classification.

German Consortium for Hereditary Breast and Ovarian Cancer, University Hospital Cologne
Classification: Pathogenic for Ovarian neoplasm. Last evaluated: 2018-12-01. Review status: no assertion criteria provided. Collection method: research. Allele origin: somatic. Affected: yes. Not counted in ClinVar's aggregate classification.

Bioscientia Institut fuer Medizinische Diagnostik GmbH, Sonic Healthcare
Classification: Pathogenic for Familial cancer of breast. Last evaluated: 2018-09-27. Review status: no assertion criteria provided. Collection method: clinical testing. Allele origin: germline. Affected: yes. Not counted in ClinVar's aggregate classification.

Counsyl
Classification: Pathogenic for Breast-ovarian cancer, familial, susceptibility to, 2. Last evaluated: 2016-02-18. Review status: no assertion criteria provided. Collection method: clinical testing. Allele origin: unknown. Not counted in ClinVar's aggregate classification.

Research Molecular Genetics Laboratory, Women's College Hospital, University of Toronto
Classification: Pathogenic for Hereditary breast ovarian cancer syndrome. Last evaluated: 2014-01-31. Review status: no assertion criteria provided. Collection method: research. Allele origin: germline. Affected: yes. Study: The Canadian Open Genetics Repository (COGR). Not counted in ClinVar's aggregate classification.

Foulkes Cancer Genetics LDI, Lady Davis Institute for Medical Research
Classification: Pathogenic for Breast and/or ovarian cancer. Last evaluated: 2013-06-08. Review status: no assertion criteria provided. Collection method: clinical testing. Allele origin: germline. Study: The Canadian Open Genetics Repository (COGR). Not counted in ClinVar's aggregate classification.

Sharing Clinical Reports Project (SCRP)
Classification: Pathogenic for Breast-ovarian cancer, familial 2. Last evaluated: 2013-03-01. Review status: no assertion criteria provided. Collection method: clinical testing. Allele origin: germline. Not counted in ClinVar's aggregate classification.

Clinical Genetics DNA and cytogenetics Diagnostics Lab, Erasmus MC, Erasmus Medical Center
Classification: Pathogenic. Review status: no assertion criteria provided. Collection method: clinical testing. Allele origin: germline. Affected: yes. Study: VKGL Data-share Consensus. Not counted in ClinVar's aggregate classification.

Clinical Genetics Laboratory, Department of Pathology, Netherlands Cancer Institute
Classification: Pathogenic. Review status: no assertion criteria provided. Collection method: clinical testing. Allele origin: germline. Affected: yes. Study: VKGL Data-share Consensus. Not counted in ClinVar's aggregate classification.

Department of Pathology and Laboratory Medicine, Sinai Health System
Classification: Pathogenic for Malignant tumor of breast. Review status: no assertion criteria provided. Collection method: clinical testing. Allele origin: unknown. Affected: yes. Study: The Canadian Open Genetics Repository (COGR). Not counted in ClinVar's aggregate classification.
Comment: The BRCA2 p.Thr3033Asnfs*11 variant was identified in 9 of 10056 proband chromosomes (frequency: 0.0009) from Australian, Polish, French, Czech, Chinese, Greek and Korean individuals or families with triple negative breast cancer, (high risk) breast or ovarian cancer, HBOC, or pancreatic cancer (Wong 2015, Serova-Sinilnicova 1997, Machackova 2008, Kwong 2012, Konstantopoulou 2014, Kang 2015, Holter 2015). The variant was identified in dbSNP (ID: rs754205122) as â€šÃ„ÃºWith Pathogenic alleleâ€šÃ„Ã¹, in ClinVar (as pathogenic, reviewed by an expert panel 2016 with 15 submitters), Clinvitae (7x), COGR (2x clinical laboratories), Cosmic (1x in a colon adenocarcinoma), LOVD 3.0 (1x), UMD-LSDB (19x as Causal, and as co-occurring with a pathogenic BRCA1 variant: c.3756_3759delGTCT, p.Ser1253ArgfsX10), BIC Database (27x with clinical importance classified pathogenic), and ARUP Laboratories (classified as definitely pathogenic). The variant was not identified in MutDB, or Zhejiang University database. The variant was not identified in the following control databases: the 1000 Genomes Project, the NHLBI GO Exome Sequencing Project, the Exome Aggregation Consortium (August 8th 2016), or the Genome Aggregation Database (Feb 27, 2017). The c.9097dup variant is predicted to cause a frameshift, which alters the protein's amino acid sequence beginning at codon 3033 and leads to a premature stop codon 11 codons downstream. This alteration is then predicted to result in a truncated or absent protein and loss of function. Loss of function variants of the BRCA2 gene are an established mechanism of disease in hereditary breast and ovarian cancer and is the type of variant expected to cause the disorder. In summary, based on the above information this variant meets our laboratoryâ€šÃ„Ã´s criteria to be classified as pathogenic.

Joint Genome Diagnostic Labs from Nijmegen and Maastricht, Radboudumc and MUMC+
Classification: Pathogenic. Review status: no assertion criteria provided. Collection method: clinical testing. Allele origin: germline. Affected: yes. Study: VKGL Data-share Consensus. Not counted in ClinVar's aggregate classification.

Literature cited by the submitters: PubMed 20104584 (cited by 3 submitters); PubMed 9150172 (cited by 6 submitters); PubMed 21138478 (cited by 6 submitters); PubMed 22970155 (cited by 7 submitters); PubMed 25940717 (cited by 6 submitters); PubMed 18489799 (cited by 4 submitters); PubMed 32295079 (cited by Center for Genomic Medicine, Rigshospitalet, Copenhagen University Hospital and CZECANCA consortium); PubMed 22798144 (cited by 4 submitters); PubMed 24010542 (cited by 3 submitters); PubMed 24916970 (cited by 3 submitters); PubMed 25682074 (cited by 3 submitters); PubMed 28541631 (cited by 3 submitters); PubMed 28692638 (cited by 3 submitters); PubMed 29360550 (cited by 3 submitters); PubMed 30287823 (cited by 3 submitters); PubMed 31214711 (cited by 3 submitters); PubMed 33471991 (cited by All of Us Research Program, National Institutes of Health and Color Diagnostics, LLC DBA Color Health); PubMed 28324225 (cited by Quest Diagnostics Nichols Institute San Juan Capistrano); PubMed 28724667 (cited by Quest Diagnostics Nichols Institute San Juan Capistrano); PubMed 28993434 (cited by Quest Diagnostics Nichols Institute San Juan Capistrano); PubMed 29310832 (cited by Quest Diagnostics Nichols Institute San Juan Capistrano); PubMed 29335925 (cited by Quest Diagnostics Nichols Institute San Juan Capistrano); PubMed 29752822 (cited by Quest Diagnostics Nichols Institute San Juan Capistrano); PubMed 29907814 (cited by Quest Diagnostics Nichols Institute San Juan Capistrano); PubMed 30093976 (cited by Quest Diagnostics Nichols Institute San Juan Capistrano); PubMed 30613976 (cited by Quest Diagnostics Nichols Institute San Juan Capistrano); PubMed 30702160 (cited by Quest Diagnostics Nichols Institute San Juan Capistrano); PubMed 30720243 (cited by Quest Diagnostics Nichols Institute San Juan Capistrano); PubMed 30720863 (cited by Quest Diagnostics Nichols Institute San Juan Capistrano); PubMed 30736435 (cited by Quest Diagnostics Nichols Institute San Juan Capistrano); PubMed 30875412 (cited by Quest Diagnostics Nichols Institute San Juan Capistrano); PubMed 31159747 (cited by Quest Diagnostics Nichols Institute San Juan Capistrano); PubMed 31360904 (cited by Quest Diagnostics Nichols Institute San Juan Capistrano); PubMed 31396961 (cited by Quest Diagnostics Nichols Institute San Juan Capistrano); PubMed 31589614 (cited by Quest Diagnostics Nichols Institute San Juan Capistrano); PubMed 31742824 (cited by Quest Diagnostics Nichols Institute San Juan Capistrano); PubMed 31825140 (cited by Quest Diagnostics Nichols Institute San Juan Capistrano); PubMed 31957001 (cited by Quest Diagnostics Nichols Institute San Juan Capistrano); PubMed 32072338 (cited by Quest Diagnostics Nichols Institute San Juan Capistrano); PubMed 32338768 (cited by Quest Diagnostics Nichols Institute San Juan Capistrano); PubMed 32846166 (cited by Quest Diagnostics Nichols Institute San Juan Capistrano); PubMed 32959997 (cited by Quest Diagnostics Nichols Institute San Juan Capistrano); PubMed 33558524 (cited by Quest Diagnostics Nichols Institute San Juan Capistrano); PubMed 26295337 (cited by Quest Diagnostics Nichols Institute San Juan Capistrano); PubMed 36988593 (cited by Laboratory for Genotyping Development, RIKEN).